The following is an entry in ClinVar:

ClinVar aggregate classification (germline): Conflicting classifications of pathogenicity. Review status: criteria provided, conflicting classifications (1 of 4 stars). 3 submissions from 3 submitters: Uncertain significance (2); Likely benign (1). Last evaluated 2025-06-19.

Conditions:
POLD1-related polyposis and colorectal cancer syndrome (CRCS10). Also called: Colorectal cancer 10; COLORECTAL CANCER, SUSCEPTIBILITY TO, ON CHROMOSOME 19q; Colorectal cancer, susceptibility to, 10. Identifiers: Orphanet 220460, MedGen C2675481, MONDO:0012953, OMIM 612591.
Hereditary cancer-predisposing syndrome. Also called: Neoplastic Syndromes, Hereditary; Hereditary neoplastic syndrome; Tumor predisposition; Hereditary Cancer Syndrome. Identifiers: Orphanet 140162, MedGen C0027672, MeSH D009386, MONDO:0015356.

Allele frequency attached by ClinVar (database versions not stated): gnomAD exomes below 0.00001 and 0.00002; ExAC 0.00002.
gnomAD v4.1: 5 of 1,598,456 alleles (0.00031%); highest among the groups gnomAD compares: Admixed American, 0.0035%; no homozygotes.

Submissions (3):

Labcorp Genetics (formerly Invitae), Labcorp
Classification: Uncertain significance for POLD1-related polyposis and colorectal cancer syndrome. Last evaluated: 2025-06-19. Review status: criteria provided, single submitter. Criteria: Invitae Variant Classification Sherloc (09022015). Collection method: clinical testing. Allele origin: germline.
Comment: This sequence change replaces leucine, which is neutral and non-polar, with phenylalanine, which is neutral and non-polar, at codon 22 of the POLD1 protein (p.Leu22Phe). This variant is present in population databases (rs779418268, gnomAD 0.01%). This variant has not been reported in the literature in individuals affected with POLD1-related conditions. ClinVar contains an entry for this variant (Variation ID: 469374). An algorithm developed to predict the effect of missense changes on protein structure and function outputs the following: PolyPhen-2: "Benign". The phenylalanine amino acid residue is found in multiple mammalian species, which suggests that this missense change does not adversely affect protein function. In summary, the available evidence is currently insufficient to determine the role of this variant in disease. Therefore, it has been classified as a Variant of Uncertain Significance.

Ambry Genetics
Classification: Likely benign for Hereditary cancer-predisposing syndrome. Last evaluated: 2025-01-23. Review status: criteria provided, single submitter. Criteria: Ambry Variant Classification Scheme 2023. Collection method: clinical testing. Allele origin: germline.

GeneDx
Classification: Uncertain significance. Last evaluated: 2024-07-02. Review status: criteria provided, single submitter. Criteria: GeneDx Variant Classification Process June 2021. Collection method: clinical testing. Allele origin: germline.
Comment: Not observed at significant frequency in large population cohorts (gnomAD); In silico analysis indicates that this missense variant does not alter protein structure/function; Has not been previously published as pathogenic or benign to our knowledge; This variant is associated with the following publications: (PMID: 35216513)

NM_002691.4(POLD1):c.64C>T (p.Leu22Phe)

Gene: POLD1 (DNA polymerase delta 1, catalytic subunit; plus strand). Cytogenetic location: 19q13.33.
Variant type: single nucleotide variant.
Coding change: c.64C>T on transcript NM_002691.4 (MANE Select); coding-DNA position 64, C replaced by T.
Protein change: p.Leu22Phe; replaces leucine 22 with phenylalanine.
Molecular consequence: missense variant. On other transcripts: non-coding transcript variant (1).
Genome position (GRCh38, 1-based): chr19:50,398,915, C>T. VCF-style: chr19-50398915-C-T. GRCh37 (hg19) VCF-style: chr19-50902172-C-T.
Other names: c.64C>T, p.Leu22Phe (NM_001256849.1, NM_001308632.1); c.64C>T (NM_002691.2); short protein forms L22F.
Identifiers: ClinVar variation 469374 (VCV000469374.14), dbSNP rs779418268, ClinGen allele CA9595602.